The following is an entry in ClinVar:

NM_001267550.2(TTN):c.56970T>C (p.Pro18990=)

Genes: TTN (titin; minus strand), TTN-AS1 (TTN antisense RNA 1; plus strand). Cytogenetic location: 2q31.2.
Variant type: single nucleotide variant.
Coding change: c.56970T>C on transcript NM_001267550.2 (MANE Select); coding-DNA position 56970, T replaced by C.
Protein change: p.Pro18990=; no amino-acid change (proline 18990 retained).
Molecular consequence: synonymous variant. On other transcripts: non-coding transcript variant (1).
Genome position (GRCh38, 1-based): chr2:178,598,647, A>G on the plus strand (T>C on the coding strand, the complement: TTN is on the minus strand). VCF-style: chr2-178598647-A-G. GRCh37 (hg19) VCF-style: chr2-179463374-A-G.
Other names: p.P16422P:CCT>CCC; p.Pro17349=; c.52047T>C, p.Pro17349= (NM_001256850.1); c.29775T>C, p.Pro9925= (NM_003319.4); c.49266T>C, p.Pro16422= (NM_133378.4); c.30150T>C, p.Pro10050= (NM_133432.3); c.30351T>C, p.Pro10117= (NM_133437.4).
Identifiers: ClinVar variation 165957 (VCV000165957.35), dbSNP rs372019333, ClinGen allele CA295536.

ClinVar aggregate classification (germline): Conflicting classifications of pathogenicity. Review status: criteria provided, conflicting classifications (1 of 4 stars). 19 submissions from 15 submitters: Uncertain significance (2); Benign (8); Likely benign (7). 2 of the submissions do not count toward it. Last evaluated 2026-01-31.

Conditions:
Cardiovascular phenotype. Identifiers: MedGen CN230736.
Dilated cardiomyopathy 1G (CMD1G). Identifiers: Orphanet 154, MedGen C1858763, MONDO:0011400, OMIM 604145.
Autosomal recessive limb-girdle muscular dystrophy type 2J (LGMDR10). Also called: MUSCULAR DYSTROPHY, LIMB-GIRDLE, AUTOSOMAL RECESSIVE 10; Limb-girdle muscular dystrophy, type 2J. Identifiers: Orphanet 140922, MedGen C1837342, MONDO:0012127, OMIM 608807.
Cardiomyopathy (CMYO). Also called: Cardiomyopathies. Identifiers: Orphanet 167848, MedGen C0878544, MONDO:0004994, HP:0001638. Inheritance: Various modes of inheritance.
Myopathy, myofibrillar, 9, with early respiratory failure (MFM9). Also called: Hereditary myopathy with early respiratory failure; EDSTROM MYOPATHY; Myopathy, distal, with early respiratory failure, autosomal dominant; MYOPATHY, PROXIMAL, WITH EARLY RESPIRATORY MUSCLE INVOLVEMENT. Identifiers: Orphanet 178464, Orphanet 34521, MedGen C1863599, MONDO:0011362, OMIM 603689.
Tibial muscular dystrophy (TMD). Also called: Udd Distal Myopathy – Tibial Muscular Dystrophy; Tibial muscular dystrophy, tardive; UDD MYOPATHY. Identifiers: Orphanet 609, MedGen C1838244, MONDO:0010870, OMIM 600334.
Early-onset myopathy with fatal cardiomyopathy (CMYO5). Also called: CONGENITAL MYOPATHY 5 WITH CARDIOMYOPATHY; Salih Myopathy. Identifiers: Orphanet 289377, MedGen C2673677, MONDO:0012714, OMIM 611705. Disease mechanism: loss of function.

Allele frequency attached by ClinVar (database versions not stated): gnomAD exomes 0.00009 and 0.00027; gnomAD 0.00113 and 0.00105; 1000 Genomes Project 0.00180; 1000 Genomes Project 30x 0.00187; ESP Exome Variant Server 0.00084; ExAC 0.00031; TOPMed 0.00129.
gnomAD v4.1: 298 of 1,603,172 alleles (0.019%); highest among the groups gnomAD compares: African/African-American, 0.36%; 1 homozygote.

Submissions (19):

Labcorp Genetics (formerly Invitae), Labcorp
Classification: Benign for Dilated cardiomyopathy 1G; Autosomal recessive limb-girdle muscular dystrophy type 2J. Last evaluated: 2026-01-31. Review status: criteria provided, single submitter. Criteria: Invitae Variant Classification Sherloc (09022015). Collection method: clinical testing. Allele origin: germline.

Mayo Clinic Laboratories, Mayo Clinic
Classification: Likely benign. Last evaluated: 2025-10-02. Review status: criteria provided, single submitter. Criteria: ACMG Guidelines, 2015. Collection method: clinical testing. Allele origin: germline. Observed: 2 variant alleles.
Comment: BS1, BP4, BP7

Molecular Diagnostic Laboratory for Inherited Cardiovascular Disease, Montreal Heart Institute
Classification: Benign. Last evaluated: 2025-04-09. Review status: criteria provided, single submitter. Criteria: ACMG Guidelines, 2015. Collection method: clinical testing. Allele origin: germline. Affected: no.

Women's Health and Genetics/Laboratory Corporation of America, LabCorp
Classification: Likely benign. Last evaluated: 2024-10-27. Review status: criteria provided, single submitter. Criteria: LabCorp Variant Classification Summary - May 2015. Collection method: clinical testing. Allele origin: germline.

Blueprint Genetics
Classification: Likely benign. Last evaluated: 2024-09-02. Review status: criteria provided, single submitter. Criteria: ACMG Guidelines, 2015. Collection method: clinical testing. Allele origin: germline.

ARUP Laboratories, Molecular Genetics and Genomics, ARUP Laboratories
Classification: Benign. Last evaluated: 2024-07-22. Review status: criteria provided, single submitter. Criteria: ARUP Molecular Germline Variant Investigation Process 2024. Collection method: clinical testing. Allele origin: germline.

Athena Diagnostics
Classification: Benign. Last evaluated: 2019-06-30. Review status: criteria provided, single submitter. Criteria: Athena Diagnostics Criteria. Collection method: clinical testing. Allele origin: germline.

CHEO Genetics Diagnostic Laboratory, Children's Hospital of Eastern Ontario
Classification: Benign for Cardiomyopathy. Last evaluated: 2018-03-29. Review status: criteria provided, single submitter. Criteria: ACMG Guidelines, 2015. Collection method: clinical testing. Allele origin: germline.

Illumina Laboratory Services, Illumina
Classification: Benign for Myopathy, myofibrillar, 9, with early respiratory failure. Last evaluated: 2017-10-29. Review status: criteria provided, single submitter. Criteria: ICSL Variant Classification Criteria 13 December 2019. Collection method: clinical testing. Allele origin: germline.
Comment: This variant was observed as part of a predisposition screen in an ostensibly healthy population. A literature search was performed for the gene, cDNA change, and amino acid change (where applicable). No publications were found based on this search. Allele frequency data from public databases was too high to be consistent with this variant causing disease. Therefore, this variant is classified as benign.

Illumina Laboratory Services, Illumina
Classification: Likely benign for Dilated cardiomyopathy 1G. Last evaluated: 2017-10-29. Review status: criteria provided, single submitter. Criteria: ICSL Variant Classification Criteria 13 December 2019. Collection method: clinical testing. Allele origin: germline.
Comment: This variant was observed as part of a predisposition screen in an ostensibly healthy population. A literature search was performed for the gene, cDNA change, and amino acid change (where applicable). No publications were found based on this search. Allele frequency data from public databases allowed determination this variant is unlikely to cause disease. Therefore, this variant is classified as likely benign.

Illumina Laboratory Services, Illumina
Classification: Benign for Tibial muscular dystrophy. Last evaluated: 2017-10-29. Review status: criteria provided, single submitter. Criteria: ICSL Variant Classification Criteria 13 December 2019. Collection method: clinical testing. Allele origin: germline.
Comment: the same text as in the submission from Illumina Laboratory Services, Illumina above.

Illumina Laboratory Services, Illumina
Classification: Uncertain significance for Autosomal recessive limb-girdle muscular dystrophy type 2J. Last evaluated: 2017-04-28. Review status: criteria provided, single submitter. Criteria: ICSL Variant Classification Criteria 13 December 2019. Collection method: clinical testing. Allele origin: germline.

Illumina Laboratory Services, Illumina
Classification: Uncertain significance for Early-onset myopathy with fatal cardiomyopathy. Last evaluated: 2017-04-28. Review status: criteria provided, single submitter. Criteria: ICSL Variant Classification Criteria 13 December 2019. Collection method: clinical testing. Allele origin: germline.

Ambry Genetics
Classification: Likely benign for Cardiovascular phenotype. Last evaluated: 2017-04-25. Review status: criteria provided, single submitter. Criteria: Ambry Variant Classification Scheme 2023. Collection method: clinical testing. Allele origin: germline.

Laboratory for Molecular Medicine, Mass General Brigham Personalized Medicine
Classification: Likely benign. Last evaluated: 2015-10-22. Review status: criteria provided, single submitter. Criteria: LMM Criteria. Collection method: clinical testing. Allele origin: germline. Observed: 4 variant alleles.
Comment: p.Pro16422Pro in exon 241 of TTN: This variant is not expected to have clinical significance because it does not alter an amino acid residue and is not located within the splice consensus sequence. It has been identified in 0.4% (35/9782) o f African chromosomes by the Exome Aggregation Consortium (ExAC; dbSNP rs372019333).

Eurofins Ntd Llc (ga)
Classification: Likely benign. Last evaluated: 2015-09-10. Review status: criteria provided, single submitter. Criteria: EGL Classification Definitions 2015. Collection method: clinical testing. Allele origin: germline. Observed: 1 variant allele, 1 heterozygote.

GeneDx
Classification: Benign. Last evaluated: 2014-10-07. Review status: criteria provided, single submitter. Criteria: GeneDx Variant Classification (06012015). Collection method: clinical testing. Allele origin: germline. Affected: yes.
Comment: This variant is considered likely benign or benign based on one or more of the following criteria: it is a conservative change, it occurs at a poorly conserved position in the protein, it is predicted to be benign by multiple in silico algorithms, and/or has population frequency not consistent with disease.

Clinical Genetics DNA and cytogenetics Diagnostics Lab, Erasmus MC, Erasmus Medical Center
Classification: Likely benign. Review status: no assertion criteria provided. Collection method: clinical testing. Allele origin: germline. Affected: yes. Study: VKGL Data-share Consensus. Not counted in ClinVar's aggregate classification.

Clinical Genetics, Academic Medical Center
Classification: Benign. Review status: no assertion criteria provided. Collection method: clinical testing. Allele origin: germline. Affected: yes. Study: VKGL Data-share Consensus. Not counted in ClinVar's aggregate classification.